The following is an entry in ClinVar:

NM_001042424.3(NSD2):c.370A>G (p.Ile124Val)

Gene: NSD2 (nuclear receptor binding SET domain protein 2; plus strand). Cytogenetic location: 4p16.3.
Variant type: single nucleotide variant.
Coding change: c.370A>G on transcript NM_001042424.3 (MANE Select); coding-DNA position 370, A replaced by G.
Protein change: p.Ile124Val; replaces isoleucine 124 with valine.
Molecular consequence: missense variant.
Genome position (GRCh38, 1-based): chr4:1,901,024, A>G. VCF-style: chr4-1901024-A-G. GRCh37 (hg19) VCF-style: chr4-1902751-A-G.
Other names: c.370A>G, p.Ile124Val (NM_007331.2, NM_133330.3, NM_133331.3 and 2 more transcripts); short protein forms I124V.
Identifiers: ClinVar variation 1699693 (VCV001699693.2), dbSNP rs2108746755, ClinGen allele CA355992058.

ClinVar aggregate classification (germline): Uncertain significance (1 of 4 stars; one submission).

Submission:

GeneDx
Classification: Uncertain significance. Last evaluated: 2022-01-26. Review status: criteria provided, single submitter. Criteria: GeneDx Variant Classification Process June 2021. Collection method: clinical testing. Allele origin: germline. Affected: yes.
Comment: Not observed at significant frequency in large population cohorts (gnomAD); In silico analysis supports that this missense variant does not alter protein structure/function; Has not been previously published as pathogenic or benign to our knowledge